The following is an entry in ClinVar:

ClinVar aggregate classification (germline): Uncertain significance (1 of 4 stars; one submission).

Conditions:
Idiopathic generalized epilepsy. Also called: EIG; Generalised epilepsy. Identifiers: MedGen C0270850, MONDO:0005579, OMIM 600669.

Allele frequency attached by ClinVar (database versions not stated): ExAC 0.00001.
gnomAD v4.1: 9 of 1,613,258 alleles (0.00056%); highest among the groups gnomAD compares: Non-Finnish European, 0.00076%; no homozygotes.

Submission:

Labcorp Genetics (formerly Invitae), Labcorp
Classification: Uncertain significance for Idiopathic generalized epilepsy. Last evaluated: 2023-08-24. Review status: criteria provided, single submitter. Criteria: Invitae Variant Classification Sherloc (09022015). Collection method: clinical testing. Allele origin: germline.
Comment: This sequence change replaces glutamine, which is neutral and polar, with arginine, which is basic and polar, at codon 29 of the RBFOX1 protein (p.Gln29Arg). This variant is present in population databases (rs780902521, gnomAD 0.0009%). This variant has not been reported in the literature in individuals affected with RBFOX1-related conditions. ClinVar contains an entry for this variant (Variation ID: 2048840). An algorithm developed to predict the effect of missense changes on protein structure and function (PolyPhen-2) suggests that this variant is likely to be tolerated. Algorithms developed to predict the effect of sequence changes on RNA splicing suggest that this variant may disrupt the consensus splice site. In summary, the available evidence is currently insufficient to determine the role of this variant in disease. Therefore, it has been classified as a Variant of Uncertain Significance.

NM_145893.3(RBFOX1):c.86A>G (p.Gln29Arg)

Gene: RBFOX1 (RNA binding fox-1 homolog 1; plus strand). Cytogenetic location: 16p13.3.
Variant type: single nucleotide variant.
Coding change: c.86A>G on transcript NM_145893.3 (MANE Plus Clinical); coding-DNA position 86, A replaced by G.
Protein change: p.Gln29Arg; replaces glutamine 29 with arginine.
Molecular consequence: missense variant. On other transcripts: intron variant (5).
Genome position (GRCh38, 1-based): chr16:7,333,087, A>G. VCF-style: chr16-7333087-A-G. GRCh37 (hg19) VCF-style: chr16-7383088-A-G.
Other names: c.86A>G, p.Gln29Arg (NM_001415896.1, NM_001415904.1, NM_001415906.1 and 3 more transcripts); c.28-185060A>G (NM_001364800.2, NM_018723.4, NM_001142333.2 and 1 more transcripts); c.157-185060A>G (NM_001308117.1); short protein forms Q29R.
Identifiers: ClinVar variation 2048840 (VCV002048840.4), dbSNP rs780902521, ClinGen allele CA7891251.